The following is an entry in ClinVar:

ClinVar aggregate classification (germline): Uncertain significance. Review status: criteria provided, multiple submitters, no conflicts (2 of 4 stars). 3 submissions from 3 submitters: Uncertain significance (3). Last evaluated 2024-04-22.

Conditions:
Cardiovascular phenotype. Identifiers: MedGen CN230736.
Dilated cardiomyopathy 1AA (CMD1AA). Also called: Cardiomyopathy, dilated, 1AA, with or without LVNC; CARDIOMYOPATHY, DILATED, 1AA, WITH OR WITHOUT LEFT VENTRICULAR NONCOMPACTION; CARDIOMYOPATHY, FAMILIAL HYPERTROPHIC, 23, WITH OR WITHOUT LEFT VENTRICULAR NONCOMPACTION. Identifiers: Orphanet 154, MedGen C2677338, MONDO:0012808, OMIM 612158.
Primary familial hypertrophic cardiomyopathy (HCM). Identifiers: Orphanet 99739, MedGen C0949658, MeSH D024741, MONDO:0024573. Inheritance: Various modes of inheritance.

Submissions (3):

Labcorp Genetics (formerly Invitae), Labcorp
Classification: Uncertain significance for Primary familial hypertrophic cardiomyopathy; Dilated cardiomyopathy 1AA. Last evaluated: 2024-04-22. Review status: criteria provided, single submitter. Criteria: Invitae Variant Classification Sherloc (09022015). Collection method: clinical testing. Allele origin: germline.
Comment: This sequence change replaces alanine, which is neutral and non-polar, with proline, which is neutral and non-polar, at codon 166 of the ACTN2 protein (p.Ala166Pro). This variant is not present in population databases (gnomAD no frequency). This variant has not been reported in the literature in individuals affected with ACTN2-related conditions. ClinVar contains an entry for this variant (Variation ID: 201629). Advanced modeling of protein sequence and biophysical properties (such as structural, functional, and spatial information, amino acid conservation, physicochemical variation, residue mobility, and thermodynamic stability) performed at Invitae indicates that this missense variant is expected to disrupt ACTN2 protein function with a positive predictive value of 80%. In summary, the available evidence is currently insufficient to determine the role of this variant in disease. Therefore, it has been classified as a Variant of Uncertain Significance.

Ambry Genetics
Classification: Uncertain significance for Cardiovascular phenotype. Last evaluated: 2024-02-22. Review status: criteria provided, single submitter. Criteria: Ambry Variant Classification Scheme 2023. Collection method: clinical testing. Allele origin: germline.
Comment: The p.A166P variant (also known as c.496G>C), located in coding exon 5 of the ACTN2 gene, results from a G to C substitution at nucleotide position 496. The alanine at codon 166 is replaced by proline, an amino acid with highly similar properties. This amino acid position is conserved. In addition, this alteration is predicted to be deleterious by in silico analysis. Based on the available evidence, the clinical significance of this alteration remains unclear.

GeneDx
Classification: Uncertain significance. Last evaluated: 2015-10-23. Review status: criteria provided, single submitter. Criteria: GeneDx Variant Classification (06012015). Collection method: clinical testing. Allele origin: germline. Affected: yes.
Comment: The Ala166Pro variant in the ACTN2 gene has not been reported as a disease-causing mutation or as a benign polymorphism to our knowledge. Ala166Pro results in a semi-conservative amino acid substitution of a non-polar Alanine to a sterically constrained Proline at a position that is conserved across species. The Ala166Pro variant was not observed in approximately 6,500 individuals of European and African American ancestry in the NHLBI Exome Sequencing Project, indicating it is not a common benign variant in these populations. In silico analysis predicts Ala166Pro is probably damaging to the protein structure/function. However, no mutations in nearby residues have been published in association with cardiomyopathy, indicating this region of the protein may be tolerant of change. The variant is found in DCM panel(s).

NM_001103.4(ACTN2):c.496G>C (p.Ala166Pro)

Gene: ACTN2 (actinin alpha 2; plus strand). Cytogenetic location: 1q43.
Variant type: single nucleotide variant.
Coding change: c.496G>C on transcript NM_001103.4 (MANE Select); coding-DNA position 496, G replaced by C.
Protein change: p.Ala166Pro; replaces alanine 166 with proline.
Molecular consequence: missense variant. On other transcripts: 5 prime UTR variant (1).
Genome position (GRCh38, 1-based): chr1:236,725,980, G>C. VCF-style: chr1-236725980-G-C. GRCh37 (hg19) VCF-style: chr1-236889280-G-C.
Other names: p.A166P:GCT>CCT; c.496G>C, p.Ala166Pro (NM_001278343.2); c.-326G>C (NM_001278344.2); short protein forms A166P.
Identifiers: ClinVar variation 201629 (VCV000201629.13), dbSNP rs794728961, ClinGen allele CA335009.